The following is an entry in ClinVar:

ClinVar aggregate classification (germline): Likely benign. Review status: criteria provided, multiple submitters, no conflicts (2 of 4 stars). 3 submissions from 3 submitters: Likely benign (3). Last evaluated 2025-10-29.

Allele frequency attached by ClinVar (database versions not stated): ExAC 0.00007; TOPMed 0.00009; gnomAD 0.00013 and 0.00014; gnomAD exomes 0.00014 and 0.00028; ESP Exome Variant Server 0.00015.
gnomAD v4.1: 423 of 1,600,864 alleles (0.026%); highest among the groups gnomAD compares: Non-Finnish European, 0.034%; no homozygotes.

Submissions (3):

Labcorp Genetics (formerly Invitae), Labcorp
Classification: Likely benign. Last evaluated: 2025-10-29. Review status: criteria provided, single submitter. Criteria: Invitae Variant Classification Sherloc (09022015). Collection method: clinical testing. Allele origin: germline.

Blueprint Genetics
Classification: Likely benign. Last evaluated: 2024-07-17. Review status: criteria provided, single submitter. Criteria: ACMG Guidelines, 2015. Collection method: clinical testing. Allele origin: germline.

GeneDx
Classification: Likely benign. Last evaluated: 2015-10-26. Review status: criteria provided, single submitter. Criteria: GeneDx Variant Classification (06012015). Collection method: clinical testing. Allele origin: germline. Affected: yes.
Comment: This variant is considered likely benign or benign based on one or more of the following criteria: it is a conservative change, it occurs at a poorly conserved position in the protein, it is predicted to be benign by multiple in silico algorithms, and/or has population frequency not consistent with disease.

NM_020381.4(PDSS2):c.703-14T>C

Gene: PDSS2 (decaprenyl diphosphate synthase subunit 2; minus strand). Cytogenetic location: 6q21.
Variant type: single nucleotide variant.
Coding change: c.703-14T>C on transcript NM_020381.4 (MANE Select); 14 bases into the intron before coding-DNA position 703, T replaced by C.
Molecular consequence: intron variant.
Genome position (GRCh38, 1-based): chr6:107,212,296, A>G on the plus strand (T>C on the coding strand, the complement: PDSS2 is on the minus strand). VCF-style: chr6-107212296-A-G. GRCh37 (hg19) VCF-style: chr6-107533500-A-G.
Identifiers: ClinVar variation 378356 (VCV000378356.9), dbSNP rs375616542, ClinGen allele CA3946027.